The following is an entry in ClinVar:

ClinVar aggregate classification (germline): Likely pathogenic (1 of 4 stars; one submission).

Conditions:
Channelopathy-associated congenital insensitivity to pain, autosomal recessive. Also called: Insensitivity to pain, channelopathy-associated; ASYMBOLIA FOR PAIN; CONGENITAL ANALGESIA, AUTOSOMAL RECESSIVE. Identifiers: Orphanet 88642, Orphanet 970, MedGen C1855739, MONDO:0009459, OMIM 243000.
Paroxysmal extreme pain disorder (PEXPD). Also called: PAIN, SUBMANDIBULAR, OCULAR, AND RECTAL, WITH FLUSHING; RECTAL PAIN, FAMILIAL; SCN9A Paroxysmal Extreme Pain Disorder (SCN9A-PEPD). Identifiers: Orphanet 46348, MedGen C1833661, MONDO:0008179, OMIM 167400.
Primary erythromelalgia. Also called: primary erythermalgia; SCN9A Erythromelalgia (SCN9A-EM). Identifiers: Orphanet 306577, Orphanet 90026, MedGen C0014805, MONDO:0007571, OMIM 133020.

Submission:

Juno Genomics, Hangzhou Juno Genomics, Inc
Classification: Likely pathogenic for Primary erythromelalgia; Channelopathy-associated congenital insensitivity to pain, autosomal recessive; Paroxysmal extreme pain disorder. Review status: criteria provided, single submitter. Criteria: ACMG Guidelines, 2015. Collection method: clinical testing. Allele origin: germline.
Comment: Absent from controls (or at extremely low frequency if recessive) in Genome Aggregation Database.;Null variant in a gene where loss of function (LOF) is a known mechanism of disease.

NM_001365536.1(SCN9A):c.3107del (p.Asn1036fs)

Genes: SCN1A-AS1 (SCN1A and SCN9A antisense RNA 1; plus strand), SCN9A (sodium voltage-gated channel alpha subunit 9; minus strand). Cytogenetic location: 2q24.3.
Variant type: Deletion.
Coding change: c.3107del on transcript NM_001365536.1 (MANE Select); coding-DNA position 3107, one base deleted (A; older notation c.3107delA).
Protein change: p.Asn1036fs; shifts the reading frame from asparagine 1036.
Molecular consequence: frameshift variant.
Genome position (GRCh38, 1-based): chr2:166,272,643, T deleted on the plus strand (A on the coding strand, the reverse complement: SCN9A is on the minus strand); the first of 4 consecutive T bases (chr2:166,272,643-166,272,646); deleting any one gives the same sequence. VCF-style (leftmost placement, unchanged base first): chr2-166272642-GT-G. GRCh37 (hg19) VCF-style: chr2-167129152-GT-G.
Other names: c.3074del, p.Asn1025fs (NM_002977.4); short protein forms N1025fs, N1036fs.
Identifiers: ClinVar variation 5007662 (VCV005007662.2).